The following is an entry in ClinVar:

NM_023110.3(FGFR1):c.*14G>A

Gene: FGFR1 (fibroblast growth factor receptor 1; minus strand). Cytogenetic location: 8p11.23.
Variant type: single nucleotide variant.
Coding change: c.*14G>A on transcript NM_023110.3 (MANE Select); 14 bases downstream of the stop codon, G replaced by A.
Molecular consequence: 3 prime UTR variant. On other transcripts: intron variant (3).
Genome position (GRCh38, 1-based): chr8:38,413,614, C>T on the plus strand (G>A on the coding strand, the complement: FGFR1 is on the minus strand). VCF-style: chr8-38413614-C-T. GRCh37 (hg19) VCF-style: chr8-38271132-C-T.
Other names: c.*14G>A (NM_001174063.2, NM_001174064.2, NM_001174065.2 and 6 more transcripts); c.2019+304G>A (NM_001354370.2); c.2286+304G>A (NM_001354367.2); c.2280+304G>A (NM_001354369.2).
Identifiers: ClinVar variation 362890 (VCV000362890.5), dbSNP rs371776128, ClinGen allele CA4718060.

ClinVar aggregate classification (germline): Conflicting classifications of pathogenicity. Review status: criteria provided, conflicting classifications (1 of 4 stars). 4 submissions from 1 submitter: Uncertain significance (1); Likely benign (3). Last evaluated 2018-01-13.

Conditions:
Hypogonadotropic hypogonadism 2 with or without anosmia (HH2). Also called: HYPOGONADOTROPIC HYPOGONADISM 2 WITH OR WITHOUT ANOSMIA, SUSCEPTIBILITY TO; HYPOGONADOTROPIC HYPOGONADISM 2 WITHOUT ANOSMIA, SUSCEPTIBILITY TO; FGFR1-Related GnRH Deficiency (Kallmann Syndrome 2); HYPOGONADOTROPIC HYPOGONADISM 2 WITHOUT ANOSMIA. Identifiers: Orphanet 478, MedGen C1563720, MONDO:0007844, OMIM 147950. Disease mechanism: loss of function.
Trigonocephaly 1 (TRIGNO1). Identifiers: Orphanet 3366, MedGen C0432122, MONDO:0008603, OMIM 190440.
Osteoglophonic dysplasia (OGD). Also called: Osteoglophonic dwarfism. Identifiers: Orphanet 2645, MedGen C0432283, MONDO:0008150, OMIM 166250.
Craniosynostosis syndrome. Also called: Craniosynostosis. Identifiers: Orphanet 1531, MedGen C0010278, MeSH D003398, MONDO:0015469, HP:0001363.

Allele frequency attached by ClinVar (database versions not stated): gnomAD 0.00005; gnomAD exomes 0.00006; TOPMed 0.00006; ESP Exome Variant Server 0.00008; ExAC 0.00009.
gnomAD v4.1: 92 of 1,598,698 alleles (0.0058%); highest among the groups gnomAD compares: Non-Finnish European, 0.0068%; no homozygotes.

Submissions (4):

Illumina Laboratory Services, Illumina
Classification: Likely benign for Craniosynostosis. Last evaluated: 2018-01-13. Review status: criteria provided, single submitter. Criteria: ICSL Variant Classification Criteria 13 December 2019. Collection method: clinical testing. Allele origin: germline.
Comment: This variant was observed in the ICSL laboratory as part of a predisposition screen in an ostensibly healthy population. It had not been previously curated by ICSL or reported in the Human Gene Mutation Database (HGMD: prior to June 1st, 2018), and was therefore a candidate for classification through an automated scoring system. Utilizing variant allele frequency, disease prevalence and penetrance estimates, and inheritance mode, an automated score was calculated to assess if this variant is too frequent to cause the disease. Based on the score and internal cut-off values, a variant classified as likely benign is not then subjected to further curation. The score for this variant resulted in a classification of likely benign for this disease.

Illumina Laboratory Services, Illumina
Classification: Likely benign for Osteoglophonic dysplasia. Last evaluated: 2018-01-13. Review status: criteria provided, single submitter. Criteria: ICSL Variant Classification Criteria 13 December 2019. Collection method: clinical testing. Allele origin: germline.
Comment: the same text as in the submission from Illumina Laboratory Services, Illumina above.

Illumina Laboratory Services, Illumina
Classification: Uncertain significance for Hypogonadotropic hypogonadism 2 with or without anosmia. Last evaluated: 2018-01-13. Review status: criteria provided, single submitter. Criteria: ICSL Variant Classification Criteria 13 December 2019. Collection method: clinical testing. Allele origin: germline.

Illumina Laboratory Services, Illumina
Classification: Likely benign for Trigonocephaly 1. Last evaluated: 2018-01-13. Review status: criteria provided, single submitter. Criteria: ICSL Variant Classification Criteria 13 December 2019. Collection method: clinical testing. Allele origin: germline.
Comment: the same text as in the submission from Illumina Laboratory Services, Illumina above.